The following is an entry in ClinVar:

ClinVar aggregate classification (germline): Pathogenic/Likely pathogenic. Review status: criteria provided, multiple submitters, no conflicts (2 of 4 stars). 2 submissions from 2 submitters: Pathogenic (1); Likely pathogenic (1). Last evaluated 2024-10-04.

Conditions:
Kleefstra syndrome 1 (KLEFS1). Identifiers: Orphanet 261494, MedGen C0795833, MONDO:0027407, OMIM 610253.

Submissions (2):

Dubai Health Genomic Medicine Center, Dubai Health
Classification: Pathogenic for Kleefstra syndrome 1. Last evaluated: 2024-10-04. Review status: criteria provided, single submitter. Criteria: ACMG Guidelines, 2015. Collection method: research. Allele origin: germline. Affected: yes.
Comment: PVS1,PS2,PM2

CENTOGENE GmbH and LLC - Guiding Precision Medicine
Classification: Likely pathogenic for Kleefstra syndrome 1. Review status: criteria provided, single submitter. Criteria: ACMG Guidelines, 2015. Collection method: clinical testing. Allele origin: de novo. Affected: yes.

Literature cited by the submitters: PubMed 32860008 (cited by CENTOGENE GmbH and LLC - Guiding Precision Medicine).

NM_024757.5(EHMT1):c.21+1_21+5del

Genes: EHMT1 (euchromatic histone lysine methyltransferase 1; plus strand), LOC130003135 (ATAC-STARR-seq lymphoblastoid silent region 20636; plus strand). Cytogenetic location: 9q34.3.
Variant type: Deletion.
Coding change: c.21+1_21+5del on transcript NM_024757.5 (MANE Select); the canonical splice donor site of the intron after coding-DNA position 21 through 5 bases into the intron after coding-DNA position 21, 5 bases deleted (GTGAG; older notation c.21+1_21+5delGTGAG).
Molecular consequence: splice donor variant.
Genome position (GRCh38, 1-based): chr9:137,619,050-137,619,054, GTGAG deleted; deleting any 5 consecutive bases within chr9:137,619,047-137,619,054 gives the same sequence; the c. name uses the placement nearest the transcript's 3' end. VCF-style (leftmost placement, unchanged base first): chr9-137619046-CGAGGT-C. GRCh37 (hg19) VCF-style: chr9-140513498-CGAGGT-C.
Other names: c.21+1_21+5del (NM_001354263.2, NM_001145527.2, NM_001354611.2); c.-9+1_-9+5del (NM_001354259.2, NM_001354612.2).
Identifiers: ClinVar variation 974820 (VCV000974820.2), dbSNP rs1842769868, ClinGen allele CA1139661362.
Genomic context (GRCh38, chr9:137,619,046, plus strand): 5'-GATGGCGCGCGGGAGGGGCGGGGCCACGCTGCGGGCCCGGGCCATGGCCGCCGCCGATGC[CGAGGT>C]GAGCAGCGGGGCCGGCGGGGGGCGGCGCGGGGGCGGCGGGCAGCGGCGGAGGCGGCGCGG-3'